The following is an entry in ClinVar:

NM_024596.5(MCPH1):c.1974-2A>G

Gene: MCPH1 (microcephalin 1; plus strand). Cytogenetic location: 8p23.1.
Variant type: single nucleotide variant.
Coding change: c.1974-2A>G on transcript NM_024596.5 (MANE Select); the canonical splice acceptor site of the intron before coding-DNA position 1974, A replaced by G.
Molecular consequence: splice acceptor variant. On other transcripts: genic downstream transcript variant (1).
Genome position (GRCh38, 1-based): chr8:6,480,712, A>G. VCF-style: chr8-6480712-A-G. GRCh37 (hg19) VCF-style: chr8-6338233-A-G.
Other names: c.1974-2A>G (NM_001322042.2, NM_001363979.1, NM_001410917.1 and 1 more transcripts); c.1935+25460A>G (NM_001363980.2).
Identifiers: ClinVar variation 420681 (VCV000420681.12), dbSNP rs541042265, ClinGen allele CA4610771.

ClinVar aggregate classification (germline): Conflicting classifications of pathogenicity. Review status: criteria provided, conflicting classifications (1 of 4 stars). 5 submissions from 5 submitters: Likely pathogenic (4); Uncertain significance (1). Last evaluated 2025-09-04.

Conditions:
Microcephaly 1, primary, autosomal recessive (MCPH1). Also called: PREMATURE CHROMOSOME CONDENSATION SYNDROME; PCC SYNDROME; PREMATURE CHROMOSOME CONDENSATION WITH MICROCEPHALY AND MENTAL RETARDATION. Identifiers: Orphanet 2512, MedGen C1855081, MONDO:0009617, OMIM 251200.

Allele frequency attached by ClinVar (database versions not stated): gnomAD exomes 0.00002 and 0.00012; TOPMed 0.00004; gnomAD 0.00005 and 0.00007; ExAC 0.00009; 1000 Genomes Project 0.00040; 1000 Genomes Project 30x 0.00062.
gnomAD v4.1: 51 of 1,614,206 alleles (0.0032%); highest among the groups gnomAD compares: East Asian, 0.1%; no homozygotes.

Submissions (6):

First Genomix Gene Laboratory, Genetic Diagnostics Department
Classification: Likely pathogenic for Microcephaly 1, primary, autosomal recessive. Last evaluated: 2025-09-04. Review status: criteria provided, single submitter. Criteria: ACMG Guidelines, 2015. Collection method: clinical testing. Allele origin: germline. Inheritance: Autosomal recessive inheritance. Affected: no. Observed: 1 variant allele.

Fulgent Genetics
Classification: Likely pathogenic for Microcephaly 1, primary, autosomal recessive. Last evaluated: 2024-06-19. Review status: criteria provided, single submitter. Criteria: ACMG Guidelines, 2015. Collection method: clinical testing. Allele origin: germline.

Labcorp Genetics (formerly Invitae), Labcorp
Classification: Uncertain significance. Last evaluated: 2022-10-08. Review status: criteria provided, single submitter. Criteria: Invitae Variant Classification Sherloc (09022015). Collection method: clinical testing. Allele origin: germline.
Comment: This sequence change affects an acceptor splice site in intron 10 of the MCPH1 gene. However, it is currently unclear if variants that occur in this region of the gene cause disease. This variant is present in population databases (rs541042265, gnomAD 0.2%). This variant has not been reported in the literature in individuals affected with MCPH1-related conditions. ClinVar contains an entry for this variant (Variation ID: 420681). Algorithms developed to predict the effect of sequence changes on RNA splicing suggest that this variant may disrupt the consensus splice site. In summary, the available evidence is currently insufficient to determine the role of this variant in disease. Therefore, it has been classified as a Variant of Uncertain Significance.

GeneDx
Classification: Likely pathogenic. Last evaluated: 2016-03-28. Review status: criteria provided, single submitter. Criteria: GeneDx Variant Classification (06012015). Collection method: clinical testing. Allele origin: germline. Affected: yes.
Comment: A c.1974-2 A>G variant that is likely pathogenic has been identified in the MCPH1 gene. The c.1974-2 A>G variant has not been published as a pathogenic variant, nor has it been reported as a benign variant to our knowledge. It was not observed in approximately 6,000 individuals of European and African American ancestry in the NHLBI Exome Sequencing Project. However, the 1000 Genomes Project reports this variant was observed in 2/186 (1%) alleles from individuals of Chinese background. The c.1974-2 A>G splice site variant in the MCPH1 gene destroys the canonical splice acceptor site in intron 10. It is predicted to cause abnormal gene splicing, either leading to an abnormal message that is subject to nonsense-mediated mRNA decay, or to an abnormal protein product if the message is used for protein translation. However, in the absence of RNA/functional studies, the actual effect of this sequence change is unknown. Therefore, this variant is likely pathogenic; however, the possibility that it is benign cannot be excluded.

Juno Genomics, Hangzhou Juno Genomics, Inc
Classification: Likely pathogenic for Microcephaly 1, primary, autosomal recessive. Review status: criteria provided, single submitter. Criteria: ACMG Guidelines, 2015. Collection method: clinical testing. Allele origin: germline.
Comment: Null variant in a gene where loss of function (LOF) is a known mechanism of disease.

Dr. Peter K. Rogan Lab, Western University
No classification provided (evidence only). Condition: Thyroid cancer, nonmedullary, 1. Review status: no classification provided. Collection method: in vitro. Allele origin: not applicable. Functional consequence: retained intron. Not counted in ClinVar's aggregate classification.